The following is an entry in ClinVar:

ClinVar aggregate classification (germline): Benign (1 of 4 stars; one submission).

Conditions:
SYNM-related disorder. Also called: SYNM-related condition.

Submission:

PreventionGenetics, part of Exact Sciences
Classification: Benign for SYNM-related condition. Last evaluated: 2019-02-20. Review status: criteria provided, single submitter. Criteria: ACMG Guidelines, 2015. Collection method: clinical testing. Allele origin: germline.
Comment: This variant is classified as benign based on ACMG/AMP sequence variant interpretation guidelines (Richards et al. 2015 PMID: 25741868, with internal and published modifications).

NM_145728.3(SYNM):c.3051G>T (p.Glu1017Asp)

Gene: SYNM (synemin; plus strand). Cytogenetic location: 15q26.3.
Variant type: single nucleotide variant.
Coding change: c.3051G>T on transcript NM_145728.3 (MANE Select); coding-DNA position 3051, G replaced by T.
Protein change: p.Glu1017Asp; replaces glutamic acid 1017 with aspartic acid.
Molecular consequence: missense variant.
Genome position (GRCh38, 1-based): chr15:99,131,411, G>T. VCF-style: chr15-99131411-G-T. GRCh37 (hg19) VCF-style: chr15-99671616-G-T.
Other names: c.3051G>T, p.Glu1017Asp (NM_015286.6); short protein forms E1017D.
Identifiers: ClinVar variation 3037005 (VCV003037005.1), dbSNP rs2543117832, ClinGen allele CA393666301.